The following is an entry in ClinVar:

NM_004370.6(COL12A1):c.2984-2A>G

Gene: COL12A1 (collagen type XII alpha 1 chain; minus strand). Cytogenetic location: 6q13.
Variant type: single nucleotide variant.
Coding change: c.2984-2A>G on transcript NM_004370.6 (MANE Select); the canonical splice acceptor site of the intron before coding-DNA position 2984, A replaced by G.
Molecular consequence: splice acceptor variant. On other transcripts: intron variant (1).
Genome position (GRCh38, 1-based): chr6:75,156,525, T>C on the plus strand (A>G on the coding strand, the complement: COL12A1 is on the minus strand). VCF-style: chr6-75156525-T-C. GRCh37 (hg19) VCF-style: chr6-75866241-T-C.
Other names: c.74-4043A>G (NM_080645.3).
Identifiers: ClinVar variation 652823 (VCV000652823.8), dbSNP rs760316411, ClinGen allele CA3893821.
Genomic context (GRCh38, chr6:75,156,525, plus strand): 5'-AACTCTCATTGTGTTTTCTGTTTCTTCATCTACTTTCAGGGTTTTGGAATCTTGAGATAC[T>C]GGGAGATAAAAGGAAGATTAAACTGTATACCATGTTGAAAAAAAATGTATGTCCACCTCT-3'

ClinVar aggregate classification (germline): Uncertain significance (1 of 4 stars; one submission).

Conditions:
Ullrich congenital muscular dystrophy 2 (UCMD2). Identifiers: Orphanet 75840, MedGen C4225314, MONDO:0014654, OMIM 616470.
Bethlem myopathy 2 (BTHLM2). Identifiers: Orphanet 536516, Orphanet 610, MedGen C4225313, MONDO:0034022, OMIM 616471.

Allele frequency attached by ClinVar (database versions not stated): ExAC 0.00001; TOPMed 0.00005; gnomAD exomes 0.00001 and 0.00002; gnomAD 0.00002.
gnomAD v4.1: 8 of 1,612,924 alleles (0.0005%); highest among the groups gnomAD compares: Admixed American, 0.0067%; no homozygotes.

Submission:

Labcorp Genetics (formerly Invitae), Labcorp
Classification: Uncertain significance for Bethlem myopathy 2; Ullrich congenital muscular dystrophy 2. Last evaluated: 2021-09-01. Review status: criteria provided, single submitter. Criteria: Invitae Variant Classification Sherloc (09022015). Collection method: clinical testing. Allele origin: germline.
Comment: This sequence change affects an acceptor splice site in intron 14 of the COL12A1 gene. Multiple COL12A1 isoforms have been reported, and the functional impact of this variant is uncertain (PMID: 8601036). This variant is present in population databases (rs760316411, ExAC 0.01%). This variant has not been reported in the literature in individuals affected with COL12A1-related conditions. Algorithms developed to predict the effect of sequence changes on RNA splicing suggest that this variant may disrupt the consensus splice site. In summary, the available evidence is currently insufficient to determine the role of this variant in disease. Therefore, it has been classified as a Variant of Uncertain Significance.

Literature cited by the submitters: PubMed 8601036.